The following is an entry in ClinVar:

NM_022047.4(DEF6):c.1833T>G (p.Asp611Glu)

Gene: DEF6 (DEF6 guanine nucleotide exchange factor; plus strand). Cytogenetic location: 6p21.31.
Variant type: single nucleotide variant.
Coding change: c.1833T>G on transcript NM_022047.4 (MANE Select); coding-DNA position 1833, T replaced by G.
Protein change: p.Asp611Glu; replaces aspartic acid 611 with glutamic acid.
Molecular consequence: missense variant.
Genome position (GRCh38, 1-based): chr6:35,321,347, T>G. VCF-style: chr6-35321347-T-G. GRCh37 (hg19) VCF-style: chr6-35289124-T-G.
Other names: short protein forms D611E.
Identifiers: ClinVar variation 1495399 (VCV001495399.6), dbSNP rs2150389699, ClinGen allele CA363769117.

ClinVar aggregate classification (germline): Uncertain significance (1 of 4 stars; one submission).

gnomAD v4.1: 1 of 1,614,130 alleles (0.000062%); highest among the groups gnomAD compares: South Asian, 0.0011%; no homozygotes.

Submission:

Labcorp Genetics (formerly Invitae), Labcorp
Classification: Uncertain significance. Last evaluated: 2023-12-11. Review status: criteria provided, single submitter. Criteria: Invitae Variant Classification Sherloc (09022015). Collection method: clinical testing. Allele origin: germline.
Comment: This sequence change replaces aspartic acid, which is acidic and polar, with glutamic acid, which is acidic and polar, at codon 611 of the DEF6 protein (p.Asp611Glu). This variant is not present in population databases (gnomAD no frequency). This variant has not been reported in the literature in individuals affected with DEF6-related conditions. ClinVar contains an entry for this variant (Variation ID: 1495399). Algorithms developed to predict the effect of missense changes on protein structure and function output the following: SIFT: "Not Available"; PolyPhen-2: "Not Available"; Align-GVGD: "Not Available". The glutamic acid amino acid residue is found in multiple mammalian species, which suggests that this missense change does not adversely affect protein function. In summary, the available evidence is currently insufficient to determine the role of this variant in disease. Therefore, it has been classified as a Variant of Uncertain Significance.